The following is an entry in ClinVar:

NM_022437.3(ABCG8):c.1108G>A (p.Glu370Lys)

Gene: ABCG8 (ATP binding cassette subfamily G member 8; plus strand). Cytogenetic location: 2p21.
Variant type: single nucleotide variant.
Coding change: c.1108G>A on transcript NM_022437.3 (MANE Select); coding-DNA position 1108, G replaced by A.
Protein change: p.Glu370Lys; replaces glutamic acid 370 with lysine.
Molecular consequence: missense variant.
Genome position (GRCh38, 1-based): chr2:43,872,119, G>A. VCF-style: chr2-43872119-G-A. GRCh37 (hg19) VCF-style: chr2-44099258-G-A.
Other names: c.1108G>A, p.Glu370Lys (NM_001357321.2); short protein forms E370K.
Identifiers: ClinVar variation 4824218 (VCV004824218.1).

ClinVar aggregate classification (germline): Uncertain significance (1 of 4 stars; one submission).

Conditions:
Cardiovascular phenotype. Identifiers: MedGen CN230736.

gnomAD v4.1: 6 of 1,613,986 alleles (0.00037%); highest among the groups gnomAD compares: East Asian, 0.0022%; no homozygotes.

Submission:

Ambry Genetics
Classification: Uncertain significance for Cardiovascular phenotype. Last evaluated: 2026-01-24. Review status: criteria provided, single submitter. Criteria: Ambry Variant Classification Scheme 2023. Collection method: clinical testing. Allele origin: germline.
Comment: The p.E370K variant (also known as c.1108G>A), located in coding exon 7 of the ABCG8 gene, results from a G to A substitution at nucleotide position 1108. The glutamic acid at codon 370 is replaced by lysine, an amino acid with similar properties. This amino acid position is conserved. In addition, this alteration is predicted to be tolerated by in silico analysis. Based on the available evidence, the clinical significance of this variant remains unclear.